The following is an entry in ClinVar:

ClinVar aggregate classification (germline): Conflicting classifications of pathogenicity. Review status: criteria provided, conflicting classifications (1 of 4 stars). 2 submissions from 2 submitters: Uncertain significance (1); Likely benign (1). Last evaluated 2022-07-26.

Conditions:
Inborn genetic diseases. Identifiers: MedGen C0950123, MeSH D030342.

Allele frequency attached by ClinVar (database versions not stated): gnomAD 0.00002 and 0.00003; gnomAD exomes 0.00002 and 0.00004; ExAC 0.00003; TOPMed 0.00005.
gnomAD v4.1: 39 of 1,609,160 alleles (0.0024%); highest among the groups gnomAD compares: Admixed American, 0.028%; no homozygotes.

Submissions (2):

Labcorp Genetics (formerly Invitae), Labcorp
Classification: Uncertain significance. Last evaluated: 2022-07-26. Review status: criteria provided, single submitter. Criteria: Invitae Variant Classification Sherloc (09022015). Collection method: clinical testing. Allele origin: germline.
Comment: This sequence change replaces asparagine, which is neutral and polar, with lysine, which is basic and polar, at codon 1057 of the LRPPRC protein (p.Asn1057Lys). This variant is present in population databases (rs765647846, gnomAD 0.03%). This variant has not been reported in the literature in individuals affected with LRPPRC-related conditions. ClinVar contains an entry for this variant (Variation ID: 1424274). Algorithms developed to predict the effect of missense changes on protein structure and function output the following: SIFT: "Tolerated"; PolyPhen-2: "Benign"; Align-GVGD: "Class C0". The lysine amino acid residue is found in multiple mammalian species, which suggests that this missense change does not adversely affect protein function. Algorithms developed to predict the effect of sequence changes on RNA splicing suggest that this variant may create or strengthen a splice site. In summary, the available evidence is currently insufficient to determine the role of this variant in disease. Therefore, it has been classified as a Variant of Uncertain Significance.

Ambry Genetics
Classification: Likely benign for Inborn genetic diseases. Last evaluated: 2022-02-02. Review status: criteria provided, single submitter. Criteria: Ambry Variant Classification Scheme 2023. Collection method: clinical testing. Allele origin: germline.

NM_133259.4(LRPPRC):c.3171T>A (p.Asn1057Lys)

Gene: LRPPRC (leucine rich pentatricopeptide repeat containing; minus strand). Cytogenetic location: 2p21.
Variant type: single nucleotide variant.
Coding change: c.3171T>A on transcript NM_133259.4 (MANE Select); coding-DNA position 3171, T replaced by A.
Protein change: p.Asn1057Lys; replaces asparagine 1057 with lysine.
Molecular consequence: missense variant.
Genome position (GRCh38, 1-based): chr2:43,912,536, A>T on the plus strand (T>A on the coding strand, the complement: LRPPRC is on the minus strand). VCF-style: chr2-43912536-A-T. GRCh37 (hg19) VCF-style: chr2-44139675-A-T.
Other names: c.3171T>A (NM_133259.3); short protein forms N1057K.
Identifiers: ClinVar variation 1424274 (VCV001424274.4), dbSNP rs765647846, ClinGen allele CA1638155.